The following is an entry in ClinVar:

ClinVar aggregate classification (germline): Uncertain significance. Review status: criteria provided, multiple submitters, no conflicts (2 of 4 stars). 2 submissions from 2 submitters: Uncertain significance (2). Last evaluated 2026-10-02.

Allele frequency attached by ClinVar (database versions not stated): gnomAD exomes below 0.00001; ExAC 0.00001; gnomAD 0.00003.
gnomAD v4.1: 7 of 1,613,724 alleles (0.00043%); highest among the groups gnomAD compares: African/African-American, 0.0067%; no homozygotes.

Submissions (2):

GeneDx
Classification: Uncertain significance. Last evaluated: 2026-10-02. Review status: criteria provided, single submitter. Criteria: GeneDx Variant Classification Process June 2021. Collection method: clinical testing. Allele origin: germline.
Comment: In silico analysis suggests that this missense variant does not alter protein structure/function; Has not been previously published as pathogenic or benign to our knowledge

Labcorp Genetics (formerly Invitae), Labcorp
Classification: Uncertain significance. Last evaluated: 2022-01-27. Review status: criteria provided, single submitter. Criteria: Invitae Variant Classification Sherloc (09022015). Collection method: clinical testing. Allele origin: germline.
Comment: This sequence change replaces valine, which is neutral and non-polar, with methionine, which is neutral and non-polar, at codon 126 of the TK2 protein (p.Val126Met). This variant is present in population databases (rs767386957, gnomAD 0.02%). This variant has not been reported in the literature in individuals affected with TK2-related conditions. Algorithms developed to predict the effect of missense changes on protein structure and function output the following: SIFT: "Tolerated"; PolyPhen-2: "Benign"; Align-GVGD: "Class C0". The methionine amino acid residue is found in multiple mammalian species, which suggests that this missense change does not adversely affect protein function. In summary, the available evidence is currently insufficient to determine the role of this variant in disease. Therefore, it has been classified as a Variant of Uncertain Significance.

NM_004614.5(TK2):c.376G>A (p.Val126Met)

Gene: TK2 (thymidine kinase 2; minus strand). Cytogenetic location: 16q21.
Variant type: single nucleotide variant.
Coding change: c.376G>A on transcript NM_004614.5 (MANE Select); coding-DNA position 376, G replaced by A.
Protein change: p.Val126Met; replaces valine 126 with methionine.
Molecular consequence: missense variant. On other transcripts: non-coding transcript variant (1).
Genome position (GRCh38, 1-based): chr16:66,529,067, C>T on the plus strand (G>A on the coding strand, the complement: TK2 is on the minus strand). VCF-style: chr16-66529067-C-T. GRCh37 (hg19) VCF-style: chr16-66562970-C-T.
Other names: c.283G>A, p.Val95Met (NM_001172643.1, NM_001271935.1); c.301G>A, p.Val101Met (NM_001172644.2); c.322G>A, p.Val108Met (NM_001172645.2); c.229G>A, p.Val77Met (NM_001271934.2); c.85G>A, p.Val29Met (NM_001272050.2); short protein forms V101M, V108M, V126M, V29M, V77M, V95M.
Identifiers: ClinVar variation 1700992 (VCV001700992.4), dbSNP rs767386957, ClinGen allele CA8093683.
Genomic context (GRCh38, chr16:66,529,067, plus strand): 5'-TTTCTACAAAAATGTATCTTGCGCTGTGAATCGACCTCTCCATCAACCGTACAGATGACA[C>T]CTAAAGGAAAACAAAAAGAGAATCACTAACTCAGGGGAAAAGGAGACAGCCAGGAGGCCT-3'
Protein context (NP_004605.4, residues 116-136): TMLDRHTRPQ[Val126Met]SSVRLMERSI